The following is an entry in ClinVar:

ClinVar aggregate classification (germline): Uncertain significance (1 of 4 stars; one submission).

Conditions:
Congenital myopathy with internal nuclei and atypical cores. Also called: Myopathy, centronuclear, 4. Identifiers: Orphanet 319160, MedGen C4707232, MONDO:0013890, OMIM 614807.

Allele frequency attached by ClinVar (database versions not stated): gnomAD exomes below 0.00001; TOPMed 0.00001.

Submission:

Labcorp Genetics (formerly Invitae), Labcorp
Classification: Uncertain significance for Congenital myopathy with internal nuclei and atypical cores. Last evaluated: 2024-10-29. Review status: criteria provided, single submitter. Criteria: Invitae Variant Classification Sherloc (09022015). Collection method: clinical testing. Allele origin: germline.
Comment: This sequence change replaces glutamine, which is neutral and polar, with arginine, which is basic and polar, at codon 224 of the CCDC78 protein (p.Gln224Arg). This variant is not present in population databases (gnomAD no frequency). This variant has not been reported in the literature in individuals affected with CCDC78-related conditions. ClinVar contains an entry for this variant (Variation ID: 2038897). Invitae Evidence Modeling of protein sequence and biophysical properties (such as structural, functional, and spatial information, amino acid conservation, physicochemical variation, residue mobility, and thermodynamic stability) indicates that this missense variant is not expected to disrupt CCDC78 protein function with a negative predictive value of 80%. In summary, the available evidence is currently insufficient to determine the role of this variant in disease. Therefore, it has been classified as a Variant of Uncertain Significance.

NM_001378030.1(CCDC78):c.671A>G (p.Gln224Arg)

Gene: CCDC78 (coiled-coil domain containing 78; minus strand). Cytogenetic location: 16p13.3.
Variant type: single nucleotide variant.
Coding change: c.671A>G on transcript NM_001378030.1 (MANE Select); coding-DNA position 671, A replaced by G.
Protein change: p.Gln224Arg; replaces glutamine 224 with arginine.
Molecular consequence: missense variant. On other transcripts: non-coding transcript variant (5), intron variant (1).
Genome position (GRCh38, 1-based): chr16:724,775, T>C on the plus strand (A>G on the coding strand, the complement: CCDC78 is on the minus strand). VCF-style: chr16-724775-T-C. GRCh37 (hg19) VCF-style: chr16-774775-T-C.
Other names: c.671A>G, p.Gln224Arg (NM_001031737.3, NM_001378031.1); c.199-266A>G (NM_001378033.1); short protein forms Q224R.
Identifiers: ClinVar variation 2038897 (VCV002038897.4), dbSNP rs2040681213, ClinGen allele CA394101524.